The following is an entry in ClinVar:

NM_152468.5(TMC8):c.487G>A (p.Val163Ile)

Gene: TMC8 (transmembrane channel like 8; plus strand). Cytogenetic location: 17q25.3.
Variant type: single nucleotide variant.
Coding change: c.487G>A on transcript NM_152468.5 (MANE Select); coding-DNA position 487, G replaced by A.
Protein change: p.Val163Ile; replaces valine 163 with isoleucine.
Molecular consequence: missense variant.
Genome position (GRCh38, 1-based): chr17:78,132,826, G>A. VCF-style: chr17-78132826-G-A. GRCh37 (hg19) VCF-style: chr17-76128907-G-A.
Other names: short protein forms V163I.
Identifiers: ClinVar variation 1383300 (VCV001383300.5), dbSNP rs753915057, ClinGen allele CA8796474.

ClinVar aggregate classification (germline): Uncertain significance (1 of 4 stars; one submission).

Conditions:
Epidermodysplasia verruciformis. Identifiers: Orphanet 302, MedGen C0014522, MONDO:0009176.

Allele frequency attached by ClinVar (database versions not stated): gnomAD 0.00002 and 0.00005; ExAC 0.00004; gnomAD exomes 0.00004 and 0.00006; TOPMed 0.00006.
gnomAD v4.1: 71 of 1,614,226 alleles (0.0044%); highest among the groups gnomAD compares: Middle Eastern, 0.016%; no homozygotes.

Submission:

Labcorp Genetics (formerly Invitae), Labcorp
Classification: Uncertain significance for Epidermodysplasia verruciformis. Last evaluated: 2021-09-17. Review status: criteria provided, single submitter. Criteria: Invitae Variant Classification Sherloc (09022015). Collection method: clinical testing. Allele origin: germline.
Comment: This sequence change replaces valine with isoleucine at codon 163 of the TMC8 protein (p.Val163Ile). The valine residue is weakly conserved and there is a small physicochemical difference between valine and isoleucine. This variant is present in population databases (rs753915057, ExAC 0.01%). This variant has not been reported in the literature in individuals with TMC8-related conditions. Algorithms developed to predict the effect of missense changes on protein structure and function output the following: SIFT: "Tolerated"; PolyPhen-2: "Benign"; Align-GVGD: "Class C0". The isoleucine amino acid residue is found in multiple mammalian species, suggesting that this missense change does not adversely affect protein function. These predictions have not been confirmed by published functional studies and their clinical significance is uncertain. In summary, the available evidence is currently insufficient to determine the role of this variant in disease. Therefore, it has been classified as a Variant of Uncertain Significance.